The following is an entry in ClinVar:

ClinVar aggregate classification (germline): Uncertain significance (1 of 4 stars; one submission).

Submission:

Women's Health and Genetics/Laboratory Corporation of America, LabCorp
Classification: Uncertain significance. Last evaluated: 2026-02-18. Review status: criteria provided, single submitter. Criteria: LabCorp Variant Classification Summary - May 2015. Collection method: clinical testing. Allele origin: germline.
Comment: Variant summary: COL6A1 c.1183-3_1183-2delCA alters a conserved nucleotide located close to a canonical splice site and therefore could affect mRNA splicing, leading to a significantly altered protein sequence. However, this variant does not alter the canonical +/- 1, 2 splice-site sequence. Several computational tools predict a significant impact on normal splicing: Three predict the variant weakens a 5' donor site. Two predict the variant no significant impact on splicing. However, these predictions have yet to be confirmed by functional studies. The variant was absent in 250420 control chromosomes. The available data on variant occurrences in the general population are insufficient to allow any conclusion about variant significance. To our knowledge, no occurrence of c.1183-3_1183-2delCA in individuals affected with COL6A1-related conditions and no experimental evidence demonstrating its impact on protein function have been reported. No submitters have cited clinical-significance assessments for this variant to ClinVar. Based on the evidence outlined above, the variant was classified as uncertain significance.

NM_001848.3(COL6A1):c.1183-3_1183-2del

Gene: COL6A1 (collagen type VI alpha 1 chain; plus strand). Cytogenetic location: 21q22.3.
Variant type: Microsatellite.
Coding change: c.1183-3_1183-2del on transcript NM_001848.3 (MANE Select); 3 bases into the intron before coding-DNA position 1183 through the canonical splice acceptor site of the intron before coding-DNA position 1183, 2 bases deleted (CA; older notation c.1183-3_1183-2delCA).
Molecular consequence: splice acceptor variant.
Genome position (GRCh38, 1-based): chr21:45,992,161-45,992,162, CA deleted; deleting any 2 consecutive bases within chr21:45,992,159-45,992,162 gives the same sequence; the c. name uses the placement nearest the transcript's 3' end. VCF-style (leftmost placement, unchanged base first): chr21-45992158-CCA-C. GRCh37 (hg19) VCF-style: chr21-47412072-CCA-C.
Other names: c.1183-3_1183-2delCA (NM_001848.3).
Identifiers: ClinVar variation 4848225 (VCV004848225.1).